The following is an entry in ClinVar:

ClinVar aggregate classification (germline): Uncertain significance (1 of 4 stars; one submission).

Submission:

Labcorp Genetics (formerly Invitae), Labcorp
Classification: Uncertain significance. Last evaluated: 2024-09-08. Review status: criteria provided, single submitter. Criteria: Invitae Variant Classification Sherloc (09022015). Collection method: clinical testing. Allele origin: germline.
Comment: This sequence change replaces arginine, which is basic and polar, with cysteine, which is neutral and slightly polar, at codon 211 of the KLHDC8B protein (p.Arg211Cys). This variant is not present in population databases (gnomAD no frequency). This variant has not been reported in the literature in individuals affected with KLHDC8B-related conditions. An algorithm developed to predict the effect of missense changes on protein structure and function (PolyPhen-2) suggests that this variant is likely to be disruptive. In summary, the available evidence is currently insufficient to determine the role of this variant in disease. Therefore, it has been classified as a Variant of Uncertain Significance.

NM_173546.3(KLHDC8B):c.631C>T (p.Arg211Cys)

Gene: KLHDC8B (kelch domain containing 8B; plus strand). Cytogenetic location: 3p21.31.
Variant type: single nucleotide variant.
Coding change: c.631C>T on transcript NM_173546.3 (MANE Select); coding-DNA position 631, C replaced by T.
Protein change: p.Arg211Cys; replaces arginine 211 with cysteine.
Molecular consequence: missense variant.
Genome position (GRCh38, 1-based): chr3:49,174,831, C>T. VCF-style: chr3-49174831-C-T. GRCh37 (hg19) VCF-style: chr3-49212264-C-T.
Other names: short protein forms R211C.
Identifiers: ClinVar variation 3625625 (VCV003625625.2).